The following is an entry in ClinVar:

ClinVar aggregate classification (germline): Uncertain significance. Review status: criteria provided, multiple submitters, no conflicts (2 of 4 stars). 4 submissions from 4 submitters: Uncertain significance (4). Last evaluated 2026-01-11.

Conditions:
Hereditary cancer-predisposing syndrome. Also called: Hereditary neoplastic syndrome; Neoplastic Syndromes, Hereditary; Tumor predisposition; Hereditary Cancer Syndrome. Identifiers: Orphanet 140162, MedGen C0027672, MeSH D009386, MONDO:0015356.
Familial adenomatous polyposis 1 (FAP1). Also called: POLYPOSIS, ADENOMATOUS INTESTINAL; FAMILIAL ADENOMATOUS POLYPOSIS 1, ATTENUATED. Identifiers: MedGen C2713442, MONDO:0021056, OMIM 175100. Disease mechanism: loss of function.

Allele frequency attached by ClinVar (database versions not stated): gnomAD exomes below 0.00001.
gnomAD v4.1: 1 of 1,614,210 alleles (0.000062%); no homozygotes.

Submissions (4):

Labcorp Genetics (formerly Invitae), Labcorp
Classification: Uncertain significance for Familial adenomatous polyposis 1. Last evaluated: 2026-01-11. Review status: criteria provided, single submitter. Criteria: Invitae Variant Classification Sherloc (09022015). Collection method: clinical testing. Allele origin: germline.
Comment: This sequence change replaces glutamic acid, which is acidic and polar, with glycine, which is neutral and non-polar, at codon 1047 of the APC protein (p.Glu1047Gly). This variant is present in population databases (no rsID available, gnomAD 0.0009%). This variant has not been reported in the literature in individuals affected with APC-related conditions. ClinVar contains an entry for this variant (Variation ID: 469909). Invitae Evidence Modeling of protein sequence and biophysical properties (such as structural, functional, and spatial information, amino acid conservation, physicochemical variation, residue mobility, and thermodynamic stability) indicates that this missense variant is not expected to disrupt APC protein function with a negative predictive value of 95%. In summary, the available evidence is currently insufficient to determine the role of this variant in disease. Therefore, it has been classified as a Variant of Uncertain Significance.

Ambry Genetics
Classification: Uncertain significance for Hereditary cancer-predisposing syndrome. Last evaluated: 2025-07-23. Review status: criteria provided, single submitter. Criteria: Ambry Variant Classification Scheme 2023. Collection method: clinical testing. Allele origin: germline.
Comment: The p.E1047G variant (also known as c.3140A>G), located in coding exon 15 of the APC gene, results from an A to G substitution at nucleotide position 3140. The glutamic acid at codon 1047 is replaced by glycine, an amino acid with similar properties. This amino acid position is highly conserved in available vertebrate species. In addition, in silico predictors for this gene do not accurately predict pathogenicity. Since supporting evidence is limited at this time, the clinical significance of this alteration remains unclear.

Color Diagnostics, LLC DBA Color Health
Classification: Uncertain significance for Hereditary cancer-predisposing syndrome. Last evaluated: 2024-05-23. Review status: criteria provided, single submitter. Criteria: ACMG Guidelines, 2015. Collection method: clinical testing. Allele origin: germline.
Comment: This missense variant replaces glutamic acid with glycine at codon 1047 of the APC protein. Computational prediction suggests that this variant may not impact protein structure and function. To our knowledge, functional studies have not been reported for this variant. This variant has not been reported in individuals affected with APC-related disorders in the literature. This variant has been identified in 1/250670 chromosomes in the general population by the Genome Aggregation Database (gnomAD). The available evidence is insufficient to determine the role of this variant in disease conclusively. Therefore, this variant is classified as a Variant of Uncertain Significance.

Baylor Genetics
Classification: Uncertain significance for Familial adenomatous polyposis 1. Last evaluated: 2023-09-21. Review status: criteria provided, single submitter. Criteria: ACMG Guidelines, 2015. Collection method: clinical testing. Allele origin: unknown.

NM_000038.6(APC):c.3140A>G (p.Glu1047Gly)

Gene: APC (APC regulator of Wnt signaling pathway; plus strand). Cytogenetic location: 5q22.2.
Variant type: single nucleotide variant.
Coding change: c.3140A>G on transcript NM_000038.6 (MANE Select); coding-DNA position 3140, A replaced by G.
Protein change: p.Glu1047Gly; replaces glutamic acid 1047 with glycine.
Molecular consequence: missense variant.
Genome position (GRCh38, 1-based): chr5:112,838,734, A>G. VCF-style: chr5-112838734-A-G. GRCh37 (hg19) VCF-style: chr5-112174431-A-G.
Other names: c.3140A>G, p.Glu1047Gly (NM_001127510.3, NM_001354895.2); c.3086A>G, p.Glu1029Gly (NM_001127511.3); c.3194A>G, p.Glu1065Gly (NM_001354896.2); c.3170A>G, p.Glu1057Gly (NM_001354897.2); c.3065A>G, p.Glu1022Gly (NM_001354898.2); c.3056A>G, p.Glu1019Gly (NM_001354899.2); c.3017A>G, p.Glu1006Gly (NM_001354900.2); c.2963A>G, p.Glu988Gly (NM_001354901.2); and 5 more; short protein forms E1029G, E1047G, E1022G, E1006G, E1019G, E887G, E921G, E946G.
Identifiers: ClinVar variation 469909 (VCV000469909.19), dbSNP rs1292530466, ClinGen allele CA16028215.